The following is an entry in ClinVar:

NM_001605.3(AARS1):c.1562C>T (p.Thr521Ile)

Gene: AARS1 (alanyl-tRNA synthetase 1; minus strand). Cytogenetic location: 16q22.1.
Variant type: single nucleotide variant.
Coding change: c.1562C>T on transcript NM_001605.3 (MANE Select); coding-DNA position 1562, C replaced by T.
Protein change: p.Thr521Ile; replaces threonine 521 with isoleucine.
Molecular consequence: missense variant.
Genome position (GRCh38, 1-based): chr16:70,262,455, G>A on the plus strand (C>T on the coding strand, the complement: AARS1 is on the minus strand). VCF-style: chr16-70262455-G-A. GRCh37 (hg19) VCF-style: chr16-70296358-G-A.
Other names: short protein forms T521I.
Identifiers: ClinVar variation 3702843 (VCV003702843.2).

ClinVar aggregate classification (germline): Uncertain significance (1 of 4 stars; one submission).

Conditions:
Charcot-Marie-Tooth disease type 2. Also called: Charcot-Marie-Tooth type 2. Identifiers: Orphanet 64746, MedGen C0270914, MONDO:0018993.

gnomAD v4.1: 8 of 1,614,172 alleles (0.0005%); highest among the groups gnomAD compares: Non-Finnish European, 0.00068%; no homozygotes.

Submission:

Labcorp Genetics (formerly Invitae), Labcorp
Classification: Uncertain significance for Charcot-Marie-Tooth disease type 2. Last evaluated: 2024-12-27. Review status: criteria provided, single submitter. Criteria: Invitae Variant Classification Sherloc (09022015). Collection method: clinical testing. Allele origin: germline.
Comment: This sequence change replaces threonine, which is neutral and polar, with isoleucine, which is neutral and non-polar, at codon 521 of the AARS protein (p.Thr521Ile). This variant is not present in population databases (gnomAD no frequency). This variant has not been reported in the literature in individuals affected with AARS-related conditions. Invitae Evidence Modeling of protein sequence and biophysical properties (such as structural, functional, and spatial information, amino acid conservation, physicochemical variation, residue mobility, and thermodynamic stability) indicates that this missense variant is not expected to disrupt AARS protein function with a negative predictive value of 95%. In summary, the available evidence is currently insufficient to determine the role of this variant in disease. Therefore, it has been classified as a Variant of Uncertain Significance.